The following is an entry in ClinVar:

NM_003803.4(MYOM1):c.4018A>T (p.Lys1340Ter)

Gene: MYOM1 (myomesin 1; minus strand). Cytogenetic location: 18p11.31.
Variant type: single nucleotide variant.
Coding change: c.4018A>T on transcript NM_003803.4 (MANE Select); coding-DNA position 4018, A replaced by T.
Protein change: p.Lys1340Ter; replaces lysine 1340 with a stop codon.
Molecular consequence: nonsense.
Genome position (GRCh38, 1-based): chr18:3,089,588, T>A on the plus strand (A>T on the coding strand, the complement: MYOM1 is on the minus strand). VCF-style: chr18-3089588-T-A. GRCh37 (hg19) VCF-style: chr18-3089586-T-A.
Other names: c.3730A>T, p.Lys1244Ter (NM_019856.2); short protein forms K1340*, K1244*.
Identifiers: ClinVar variation 3729606 (VCV003729606.2).

ClinVar aggregate classification (germline): Uncertain significance (1 of 4 stars; one submission).

Conditions:
Hypertrophic cardiomyopathy. Also called: HYPERTROPHIC MYOCARDIOPATHY. Identifiers: Orphanet 217569, MedGen C0007194, MeSH D002312, MONDO:0005045, HP:0001639.

gnomAD v4.1: 1 of 1,606,842 alleles (0.000062%); highest among the groups gnomAD compares: Non-Finnish European, 0.000085%; no homozygotes.

Submission:

Labcorp Genetics (formerly Invitae), Labcorp
Classification: Uncertain significance for Hypertrophic cardiomyopathy. Last evaluated: 2025-01-31. Review status: criteria provided, single submitter. Criteria: Invitae Variant Classification Sherloc (09022015). Collection method: clinical testing. Allele origin: germline.
Comment: This sequence change creates a premature translational stop signal (p.Lys1340*) in the MYOM1 gene. It is expected to result in an absent or disrupted protein product. However, the current clinical and genetic evidence is not sufficient to establish whether loss-of-function variants in MYOM1 cause disease. This variant is not present in population databases (gnomAD no frequency). This variant has not been reported in the literature in individuals affected with MYOM1-related conditions. In summary, the available evidence is currently insufficient to determine the role of this variant in disease. Therefore, it has been classified as a Variant of Uncertain Significance.